The following is an entry in ClinVar:

NM_005861.4(STUB1):c.615C>G (p.Asp205Glu)

Genes: JMJD8 (jumonji domain containing 8; minus strand), STUB1 (STIP1 homology and U-box containing protein 1; plus strand). Cytogenetic location: 16p13.3.
Variant type: single nucleotide variant.
Coding change: c.615C>G on transcript NM_005861.4 (MANE Select); coding-DNA position 615, C replaced by G.
Protein change: p.Asp205Glu; replaces aspartic acid 205 with glutamic acid.
Molecular consequence: missense variant. On other transcripts: 3 prime UTR variant (5), non-coding transcript variant (3).
Genome position (GRCh38, 1-based): chr16:682,022, C>G. VCF-style: chr16-682022-C-G. GRCh37 (hg19) VCF-style: chr16-732022-C-G.
Other names: c.399C>G, p.Asp133Glu (NM_001293197.2); c.*772G>C (NM_001005920.4, NM_001323919.3, NM_001323920.3); c.*806G>C (NM_001323918.3, NM_001323922.3); short protein forms D133E, D205E.
Identifiers: ClinVar variation 1926384 (VCV001926384.5), dbSNP rs1567281591, ClinGen allele CA394113354.
Genomic context (GRCh38, chr16:682,022, plus strand): 5'-CCCCATGGAGGAGGGAGGTGGGGTGTCTCCCCCAAGCACAGCACTCAACTCTTCACAGGA[C>G]AAGTACATGGCGGACATGGACGAGCTTTTTTCTCAGGTGGATGAGAAGAGGAAGGTGAGT-3'
Protein context (NP_005852.2, residues 195-215): AQQACIEAKH[Asp205Glu]KYMADMDELF

ClinVar aggregate classification (germline): Uncertain significance (1 of 4 stars; one submission).

Allele frequency attached by ClinVar (database versions not stated): gnomAD exomes below 0.00001.
gnomAD v4.1: 2 of 1,603,004 alleles (0.00012%); highest among the groups gnomAD compares: Admixed American, 0.0017%; no homozygotes.

Submission:

Labcorp Genetics (formerly Invitae), Labcorp
Classification: Uncertain significance. Last evaluated: 2022-05-06. Review status: criteria provided, single submitter. Criteria: Invitae Variant Classification Sherloc (09022015). Collection method: clinical testing. Allele origin: germline.
Comment: In summary, the available evidence is currently insufficient to determine the role of this variant in disease. Therefore, it has been classified as a Variant of Uncertain Significance. Algorithms developed to predict the effect of sequence changes on RNA splicing suggest that this variant may create or strengthen a splice site. Algorithms developed to predict the effect of missense changes on protein structure and function (SIFT, PolyPhen-2, Align-GVGD) all suggest that this variant is likely to be tolerated. This variant has not been reported in the literature in individuals affected with STUB1-related conditions. This variant is not present in population databases (gnomAD no frequency). This sequence change replaces aspartic acid, which is acidic and polar, with glutamic acid, which is acidic and polar, at codon 205 of the STUB1 protein (p.Asp205Glu).